The following is an entry in ClinVar:

NM_000512.5(GALNS):c.323A>G (p.Tyr108Cys)

Gene: GALNS (galactosamine (N-acetyl)-6-sulfatase; minus strand). Cytogenetic location: 16q24.3.
Variant type: single nucleotide variant.
Coding change: c.323A>G on transcript NM_000512.5 (MANE Select); coding-DNA position 323, A replaced by G.
Protein change: p.Tyr108Cys; replaces tyrosine 108 with cysteine.
Molecular consequence: missense variant. On other transcripts: 5 prime UTR variant (1).
Genome position (GRCh38, 1-based): chr16:88,841,091, T>C on the plus strand (A>G on the coding strand, the complement: GALNS is on the minus strand). VCF-style: chr16-88841091-T-C. GRCh37 (hg19) VCF-style: chr16-88907499-T-C.
Other names: c.-233A>G (NM_001323543.2); c.341A>G, p.Tyr114Cys (NM_001323544.2); short protein forms Y108C, Y114C.
Identifiers: ClinVar variation 1048190 (VCV001048190.3), dbSNP rs1256041500, ClinGen allele CA397088396.

ClinVar aggregate classification (germline): Uncertain significance (1 of 4 stars; one submission).

Conditions:
Mucopolysaccharidosis, MPS-IV-A (MPS4A). Also called: Mucopolysaccharidosis type IV A; Mucopolysaccharidosis Type IVA; Morquio syndrome A, mild; MORQUIO SYNDROME A; MPS IVA; mucopolysaccharidosis type 4A. Identifiers: Orphanet 309297, Orphanet 582, MedGen C0086651, MONDO:0009659, OMIM 253000.

Submission:

Laboratory of Diagnosis and Therapy of Lysosomal Disorders, University of Padova
Classification: Uncertain significance for Mucopolysaccharidosis, MPS-IV-A. Last evaluated: 2021-02-01. Review status: criteria provided, single submitter. Criteria: ACMG Guidelines, 2015. Collection method: research. Allele origin: germline. Affected: yes.
Comment: Located in a mutational hot spot and/or critical and well-established functional domain without benign variation (PM1_moderate); absent from gnomAD v2.1.1 (PM2_moderate); multiple lines of computational evidence support a deleterious effect on the gene (PP3_supporting)

Literature cited by the submitters: PubMed 34387910.